The following is an entry in ClinVar:

NM_001267550.2(TTN):c.87947del (p.Asn29316fs)

Genes: TTN (titin; minus strand), TTN-AS1 (TTN antisense RNA 1; plus strand). Cytogenetic location: 2q31.2.
Variant type: Deletion.
Coding change: c.87947del on transcript NM_001267550.2 (MANE Select); coding-DNA position 87947, one base deleted (A; older notation c.87947delA).
Protein change: p.Asn29316fs; shifts the reading frame from asparagine 29316.
Molecular consequence: frameshift variant.
Genome position (GRCh38, 1-based): chr2:178,557,315, T deleted on the plus strand (A on the coding strand, the reverse complement: TTN is on the minus strand); the first of 4 consecutive T bases (chr2:178,557,315-178,557,318); deleting any one gives the same sequence. VCF-style (leftmost placement, unchanged base first): chr2-178557314-AT-A. GRCh37 (hg19) VCF-style: chr2-179422041-AT-A.
Other names: c.83024del, p.Asn27675fs (NM_001256850.1); c.60752del, p.Asn20251fs (NM_003319.4); c.80243del, p.Asn26748fs (NM_133378.4); c.61127del, p.Asn20376fs (NM_133432.3); c.61328del, p.Asn20443fs (NM_133437.4); short protein forms N27675fs, N20376fs, N20443fs, N29316fs, N20251fs, N26748fs.
Identifiers: ClinVar variation 2946997 (VCV002946997.3), dbSNP rs2469523623, ClinGen allele CA2740096006.

ClinVar aggregate classification (germline): Likely pathogenic (1 of 4 stars; one submission).

Conditions:
Dilated cardiomyopathy 1G (CMD1G). Identifiers: Orphanet 154, MedGen C1858763, MONDO:0011400, OMIM 604145.
Autosomal recessive limb-girdle muscular dystrophy type 2J (LGMDR10). Also called: Limb-girdle muscular dystrophy, type 2J; MUSCULAR DYSTROPHY, LIMB-GIRDLE, AUTOSOMAL RECESSIVE 10. Identifiers: Orphanet 140922, MedGen C1837342, MONDO:0012127, OMIM 608807.

Submission:

Labcorp Genetics (formerly Invitae), Labcorp
Classification: Likely pathogenic for Dilated cardiomyopathy 1G; Autosomal recessive limb-girdle muscular dystrophy type 2J. Last evaluated: 2023-04-22. Review status: criteria provided, single submitter. Criteria: Invitae Variant Classification Sherloc (09022015). Collection method: clinical testing. Allele origin: germline.
Comment: In summary, the currently available evidence indicates that the variant is pathogenic, but additional data are needed to prove that conclusively. Therefore, this variant has been classified as Likely Pathogenic. This variant is located in the A band of TTN (PMID: 25589632). Truncating variants in this region are significantly overrepresented in patients affected with dilated cardiomyopathy (PMID: 25589632). Truncating variants in this region have also been reported in individuals affected with autosomal recessive centronuclear myopathy (PMID: 23975875). This variant has not been reported in the literature in individuals affected with TTN-related conditions. This variant is not present in population databases (gnomAD no frequency). This sequence change creates a premature translational stop signal (p.Asn29316Metfs*85) in the TTN gene. While this is not anticipated to result in nonsense mediated decay, it is expected to create a truncated TTN protein.

Literature cited by the submitters: PubMed 25589632; PubMed 23975875.